The following is an entry in ClinVar:

ClinVar aggregate classification (germline): Uncertain significance (1 of 4 stars; one submission).

Submission:

Labcorp Genetics (formerly Invitae), Labcorp
Classification: Uncertain significance. Last evaluated: 2021-08-07. Review status: criteria provided, single submitter. Criteria: Invitae Variant Classification Sherloc (09022015). Collection method: clinical testing. Allele origin: germline.
Comment: In summary, the available evidence is currently insufficient to determine the role of this variant in disease. Therefore, it has been classified as a Variant of Uncertain Significance. Algorithms developed to predict the effect of missense changes on protein structure and function are either unavailable or do not agree on the potential impact of this missense change (SIFT: "Tolerated"; PolyPhen-2: "Probably Damaging"; Align-GVGD: "Class C0"). This sequence change replaces leucine with proline at codon 83 of the PLEKHM2 protein (p.Leu83Pro). The leucine residue is moderately conserved and there is a moderate physicochemical difference between leucine and proline. This variant is not present in population databases (ExAC no frequency). This variant has not been reported in the literature in individuals affected with PLEKHM2-related conditions.

NM_015164.4(PLEKHM2):c.248T>C (p.Leu83Pro)

Gene: PLEKHM2 (pleckstrin homology and RUN domain containing M2; plus strand). Cytogenetic location: 1p36.21.
Variant type: single nucleotide variant.
Coding change: c.248T>C on transcript NM_015164.4 (MANE Select); coding-DNA position 248, T replaced by C.
Protein change: p.Leu83Pro; replaces leucine 83 with proline.
Molecular consequence: missense variant.
Genome position (GRCh38, 1-based): chr1:15,716,787, T>C. VCF-style: chr1-15716787-T-C. GRCh37 (hg19) VCF-style: chr1-16043282-T-C.
Other names: short protein forms L83P.
Identifiers: ClinVar variation 1373238 (VCV001373238.6), dbSNP rs2148357780, ClinGen allele CA338578703.